The following is an entry in ClinVar:

ClinVar aggregate classification (germline): Uncertain significance. Review status: criteria provided, multiple submitters, no conflicts (2 of 4 stars). 2 submissions from 2 submitters: Uncertain significance (2). Last evaluated 2026-01-25.

Conditions:
Colorectal cancer. Also called: Colorectal cancer, somatic; Malignant Colorectal Neoplasm. Identifiers: MedGen C0346629, MONDO:0005575, OMIM 114500.

gnomAD v4.1: 56 of 1,614,040 alleles (0.0035%); highest among the groups gnomAD compares: Non-Finnish European, 0.0046%; no homozygotes.

Submissions (2):

Labcorp Genetics (formerly Invitae), Labcorp
Classification: Uncertain significance. Last evaluated: 2026-01-25. Review status: criteria provided, single submitter. Criteria: Invitae Variant Classification Sherloc (09022015). Collection method: clinical testing. Allele origin: germline.
Comment: This sequence change replaces leucine, which is neutral and non-polar, with methionine, which is neutral and non-polar, at codon 1201 of the DLC1 protein (p.Leu1201Met). This variant is present in population databases (rs762330691, gnomAD 0.003%). This variant has not been reported in the literature in individuals affected with DLC1-related conditions. ClinVar contains an entry for this variant (Variation ID: 3595084). An algorithm developed to predict the effect of missense changes on protein structure and function (PolyPhen-2) suggests that this variant is likely to be disruptive. In summary, the available evidence is currently insufficient to determine the role of this variant in disease. Therefore, it has been classified as a Variant of Uncertain Significance.

Fulgent Genetics
Classification: Uncertain significance for Colorectal cancer. Last evaluated: 2024-06-20. Review status: criteria provided, single submitter. Criteria: ACMG Guidelines, 2015. Collection method: clinical testing. Allele origin: germline.

NM_182643.3(DLC1):c.3601C>A (p.Leu1201Met)

Gene: DLC1 (DLC1 Rho GTPase activating protein; minus strand). Cytogenetic location: 8p22.
Variant type: single nucleotide variant.
Coding change: c.3601C>A on transcript NM_182643.3 (MANE Select); coding-DNA position 3601, C replaced by A.
Protein change: p.Leu1201Met; replaces leucine 1201 with methionine.
Molecular consequence: missense variant.
Genome position (GRCh38, 1-based): chr8:13,092,751, G>T on the plus strand (C>A on the coding strand, the complement: DLC1 is on the minus strand). VCF-style: chr8-13092751-G-T. GRCh37 (hg19) VCF-style: chr8-12950260-G-T.
Other names: c.2068C>A, p.Leu690Met (NM_001164271.2, NM_001348082.2, NM_001348083.1 and 6 more transcripts); c.2392C>A, p.Leu798Met (NM_001316668.2, NM_001413129.1); c.3601C>A, p.Leu1201Met (NM_001348081.2, NM_001413124.1); c.2383C>A, p.Leu795Met (NM_001413130.1); c.2041C>A, p.Leu681Met (NM_001413131.1, NM_001413137.1); c.2527C>A, p.Leu843Met (NM_001413132.1); c.2290C>A, p.Leu764Met (NM_001413135.1, NM_001413136.1, NM_001413139.1 and 1 more transcripts); c.2425C>A, p.Leu809Met (NM_001413140.1); short protein forms L1201M, L681M, L764M, L798M, L690M, L843M, L795M, L809M.
Identifiers: ClinVar variation 3595084 (VCV003595084.2).
Genomic context (GRCh38, chr8:13,092,751, plus strand): 5'-TCATCTGGTTTTCTTTTACGGCTGCTGTGACATCGCTCAGGAAATAAAGCAGGGTCTGCA[G>T]AACCTCCCGGTTCTCGTCAGGCAGCAGCATGATGGCAGCCTTGATGGCCTGCAGGCGCTG-3'
Protein context (NP_872584.2, residues 1191-1211): MLLPDENREV[Leu1201Met]QTLLYFLSDV